The following is an entry in ClinVar:

ClinVar aggregate classification (germline): Pathogenic (1 of 4 stars; one submission).

Conditions:
Williams syndrome (WBS). Also called: CHROMOSOME 7q11.23 DELETION SYNDROME, 1.5- TO 1.8-MB; WILLIAMS-BEUREN SYNDROME. Identifiers: Orphanet 904, MedGen C0175702, MONDO:0008678, OMIM 194050. Disease mechanism: loss of function.

Submission:

Next Generation Genetic Polyclinic
Classification: Pathogenic for Williams syndrome. Last evaluated: 2026-10-08. Review status: criteria provided, single submitter. Criteria: ACMG/ClinGen CNV Guidelines, 2019. Collection method: research. Allele origin: germline. Inheritance: Autosomal dominant inheritance. Affected: yes. Observed: 1 variant allele, 1 heterozygote.
Comment: A heterozygous approximately 1.44-Mb copy-number loss at 7q11.23 (GRCh38:chr7:73,293,482–74,732,632) was identified by re-analysis of whole-exome sequencing data using the GATK CNV pipeline. The deletion encompasses the established Williams-Beuren syndrome recurrent region and includes multiple genes within the region, including ELN, GTF2I, GTF2IRD1, LIMK1, BAZ1B, CLIP2, STX1A, and FZD9. The variant was classified as pathogenic according to the ACMG/ClinGen constitutional copy-number variant interpretation framework. The finding is consistent with the patient's clinical presentation. Heterozygous copy-number loss involving ELN was independently confirmed by MLPA.

GRCh38/hg38 7q11.23(chr7:73293482-74732632)x1

Genes: ABHD11 (abhydrolase domain containing 11; minus strand), ABHD11-AS1 (ABHD11 antisense RNA 1 (tail to tail); plus strand), BAZ1B (bromodomain adjacent to zinc finger domain 1B; minus strand), BCL7B (BAF chromatin remodeling complex subunit BCL7B; minus strand), BUD23 (BUD23 rRNA methyltransferase and ribosome maturation factor; plus strand) and 127 more. Cytogenetic location: 7q11.23.
Variant type: copy number loss.
Change: copy number 1 (one copy instead of two) of chr7:73,293,482-74,732,632 (1.44 Mb, GRCh38 coordinates, 1-based), cytogenetic band 7q11.23.
Identifiers: ClinVar variation 5020085 (VCV005020085.1).